The following is an entry in ClinVar:

ClinVar aggregate classification (germline): Uncertain significance. Review status: criteria provided, multiple submitters, no conflicts (2 of 4 stars). 2 submissions from 2 submitters: Uncertain significance (2). Last evaluated 2025-08-27.

Conditions:
Inborn genetic diseases. Identifiers: MedGen C0950123, MeSH D030342.
3-methylglutaconic aciduria with deafness, encephalopathy, and Leigh-like syndrome (MEGDEL). Also called: MEGDEL syndrome; 3-METHYLGLUTACONIC ACIDURIA, TYPE VI; SERAC1 Deficiency. Identifiers: Orphanet 352328, MedGen C4040739, MONDO:0013875, OMIM 614739.

Allele frequency attached by ClinVar (database versions not stated): gnomAD 0.00001; TOPMed 0.00001; ExAC 0.00002; 1000 Genomes Project 30x 0.00016; 1000 Genomes Project 0.00020.
gnomAD v4.1: 15 of 1,614,006 alleles (0.00093%); highest among the groups gnomAD compares: South Asian, 0.0022%; no homozygotes.

Submissions (2):

Ambry Genetics
Classification: Uncertain significance for Inborn genetic diseases. Last evaluated: 2025-08-27. Review status: criteria provided, single submitter. Criteria: Ambry Variant Classification Scheme 2023. Collection method: clinical testing. Allele origin: germline.

Labcorp Genetics (formerly Invitae), Labcorp
Classification: Uncertain significance for 3-methylglutaconic aciduria with deafness, encephalopathy, and Leigh-like syndrome. Last evaluated: 2022-09-01. Review status: criteria provided, single submitter. Criteria: Invitae Variant Classification Sherloc (09022015). Collection method: clinical testing. Allele origin: germline.
Comment: In summary, the available evidence is currently insufficient to determine the role of this variant in disease. Therefore, it has been classified as a Variant of Uncertain Significance. Algorithms developed to predict the effect of sequence changes on RNA splicing suggest that this variant may create or strengthen a splice site. Algorithms developed to predict the effect of missense changes on protein structure and function (SIFT, PolyPhen-2, Align-GVGD) all suggest that this variant is likely to be disruptive. This variant has not been reported in the literature in individuals affected with SERAC1-related conditions. This variant is present in population databases (rs576130525, gnomAD 0.003%). This sequence change replaces arginine, which is basic and polar, with cysteine, which is neutral and slightly polar, at codon 320 of the SERAC1 protein (p.Arg320Cys).

NM_032861.4(SERAC1):c.958C>T (p.Arg320Cys)

Gene: SERAC1 (serine active site containing 1; minus strand). Cytogenetic location: 6q25.3.
Variant type: single nucleotide variant.
Coding change: c.958C>T on transcript NM_032861.4 (MANE Select); coding-DNA position 958, C replaced by T.
Protein change: p.Arg320Cys; replaces arginine 320 with cysteine.
Molecular consequence: missense variant. On other transcripts: non-coding transcript variant (1).
Genome position (GRCh38, 1-based): chr6:158,128,165, G>A on the plus strand (C>T on the coding strand, the complement: SERAC1 is on the minus strand). VCF-style: chr6-158128165-G-A. GRCh37 (hg19) VCF-style: chr6-158549197-G-A.
Other names: short protein forms R320C.
Identifiers: ClinVar variation 1940401 (VCV001940401.7), dbSNP rs576130525, ClinGen allele CA4071230.